The following is an entry in ClinVar:

ClinVar aggregate classification (germline): Uncertain significance (1 of 4 stars; one submission).

Conditions:
Dilated cardiomyopathy 1CC (CMD1CC). Identifiers: Orphanet 154, MedGen C2751084, MONDO:0013147, OMIM 613122.
Hypertrophic cardiomyopathy 20. Identifiers: MedGen C3151267, MONDO:0013477, OMIM 613876.

Submission:

Labcorp Genetics (formerly Invitae), Labcorp
Classification: Uncertain significance for Dilated cardiomyopathy 1CC; Hypertrophic cardiomyopathy 20. Last evaluated: 2022-08-22. Review status: criteria provided, single submitter. Criteria: Invitae Variant Classification Sherloc (09022015). Collection method: clinical testing. Allele origin: germline.
Comment: In summary, the available evidence is currently insufficient to determine the role of this variant in disease. Therefore, it has been classified as a Variant of Uncertain Significance. Algorithms developed to predict the effect of missense changes on protein structure and function are either unavailable or do not agree on the potential impact of this missense change (SIFT: "Deleterious"; PolyPhen-2: "Benign"; Align-GVGD: "Class C0"). ClinVar contains an entry for this variant (Variation ID: 1044138). This variant has not been reported in the literature in individuals affected with NEXN-related conditions. This variant is not present in population databases (gnomAD no frequency). This sequence change replaces lysine, which is basic and polar, with glutamic acid, which is acidic and polar, at codon 554 of the NEXN protein (p.Lys554Glu).

NM_144573.4(NEXN):c.1660A>G (p.Lys554Glu)

Gene: NEXN (nexilin F-actin binding protein; plus strand). Cytogenetic location: 1p31.1.
Variant type: single nucleotide variant.
Coding change: c.1660A>G on transcript NM_144573.4 (MANE Select); coding-DNA position 1660, A replaced by G.
Protein change: p.Lys554Glu; replaces lysine 554 with glutamic acid.
Molecular consequence: missense variant.
Genome position (GRCh38, 1-based): chr1:77,942,461, A>G. VCF-style: chr1-77942461-A-G. GRCh37 (hg19) VCF-style: chr1-78408146-A-G.
Other names: c.1468A>G, p.Lys490Glu (NM_001172309.2); short protein forms K490E, K554E.
Identifiers: ClinVar variation 1044138 (VCV001044138.8), dbSNP rs1651445147, ClinGen allele CA340881729.